The following is an entry in ClinVar:

NM_018406.7(MUC4):c.10144A>G (p.Ile3382Val)

Gene: MUC4 (mucin 4, cell surface associated). Cytogenetic location: 3q29.
Variant type: single nucleotide variant.
Coding change: c.10144A>G on transcript NM_018406.7 (MANE Select); coding-DNA position 10144, A replaced by G.
Protein change: p.Ile3382Val; replaces isoleucine 3382 with valine.
Molecular consequence: missense variant. On other transcripts: no sequence alteration (1), genic upstream transcript variant (2).
Genome position (GRCh38, 1-based): chr3:195,781,436, T>C on the plus strand (A>G on the coding strand, the complement: MUC4 is on the minus strand). VCF-style: chr3-195781436-T-C. GRCh37 (hg19) VCF-style: chr3-195508307-T-C.
Other names: c.14914=, p.Ala4972= (NM_001322468.1); c.83-7131A>G (NM_138297.5); c.83-2981A>G (NM_004532.6); short protein forms I3382V.
Identifiers: ClinVar variation 2654430 (VCV002654430.24), dbSNP rs200780098, ClinGen allele CA2770432.

ClinVar aggregate classification (germline): Likely benign (1 of 4 stars; one submission).

Allele frequency attached by ClinVar (database versions not stated): gnomAD 0.00058.

Submission:

CeGaT Center for Human Genetics Tuebingen
Classification: Likely benign. Last evaluated: 2026-08-01. Review status: criteria provided, single submitter. Criteria: CeGaT Center For Human Genetics Tuebingen Variant Classification Criteria Version 2. Collection method: clinical testing. Allele origin: germline. Affected: yes. Observed: 4 variant alleles.
Comment: MUC4: BP4, BS2